The following is an entry in ClinVar:

ClinVar aggregate classification (germline): Uncertain significance. Review status: criteria provided, multiple submitters, no conflicts (2 of 4 stars). 5 submissions from 5 submitters: Uncertain significance (4). 1 of the submissions does not count toward it. Last evaluated 2025-11-10.

Conditions:
Hereditary cancer-predisposing syndrome. Also called: Neoplastic Syndromes, Hereditary; Hereditary Cancer Syndrome; Hereditary neoplastic syndrome; Tumor predisposition. Identifiers: Orphanet 140162, MedGen C0027672, MeSH D009386, MONDO:0015356.
Gorlin syndrome. Also called: Basal cell nevus syndrome; Nevoid Basal Cell Carcinoma Syndrome. Identifiers: Orphanet 377, MedGen C0004779, MONDO:0007187.
PTCH1-related disorder. Also called: PTCH1-related disorders; PTCH1-related condition.
Basal cell nevus syndrome 1 (BCNS1). Also called: GORLIN-GOLTZ SYNDROME; MULTIPLE BASAL CELL NEVI, ODONTOGENIC KERATOCYSTS, AND SKELETAL ANOMALIES. Identifiers: MedGen CN376810, MONDO:0958174, OMIM 109400.

Allele frequency attached by ClinVar (database versions not stated): gnomAD exomes below 0.00001.

Submissions (5):

Labcorp Genetics (formerly Invitae), Labcorp
Classification: Uncertain significance for Gorlin syndrome. Last evaluated: 2025-11-10. Review status: criteria provided, single submitter. Criteria: Invitae Variant Classification Sherloc (09022015). Collection method: clinical testing. Allele origin: germline.
Comment: This sequence change replaces glutamic acid, which is acidic and polar, with lysine, which is basic and polar, at codon 263 of the PTCH1 protein (p.Glu263Lys). This variant is not present in population databases (gnomAD no frequency). This variant has not been reported in the literature in individuals affected with PTCH1-related conditions. ClinVar contains an entry for this variant (Variation ID: 642215). Invitae Evidence Modeling of protein sequence and biophysical properties (such as structural, functional, and spatial information, amino acid conservation, physicochemical variation, residue mobility, and thermodynamic stability) indicates that this missense variant is not expected to disrupt PTCH1 protein function with a negative predictive value of 95%. In summary, the available evidence is currently insufficient to determine the role of this variant in disease. Therefore, it has been classified as a Variant of Uncertain Significance.

St. Jude Molecular Pathology, St. Jude Children's Research Hospital
Classification: Uncertain significance for Basal cell nevus syndrome 1. Last evaluated: 2025-01-16. Review status: criteria provided, single submitter. Criteria: St. Jude Assertion Criteria 2020. Collection method: clinical testing. Allele origin: germline.
Comment: The PTCH1 c.787G>A p.(Glu263Lys) missense change is absent in gnomAD v2.1.1. The in silico tool REVEL is inconclusive about a pathogenic or benign effect of this variant on protein function, and to our knowledge functional studies have not been performed. This variant has been reported in an individual with SHH medulloblastoma (PMID: 34409296). In summary, the evidence currently available is insufficient to determine the clinical significance of this variant. It has therefore been classified as of uncertain significance.

Ambry Genetics
Classification: Uncertain significance for Hereditary cancer-predisposing syndrome. Last evaluated: 2024-06-08. Review status: criteria provided, single submitter. Criteria: Ambry Variant Classification Scheme 2023. Collection method: clinical testing. Allele origin: germline.
Comment: The p.E263K variant (also known as c.787G>A), located in coding exon 6 of the PTCH1 gene, results from a G to A substitution at nucleotide position 787. The glutamic acid at codon 263 is replaced by lysine, an amino acid with similar properties. This amino acid position is conserved. In addition, this alteration is predicted to be tolerated by in silico analysis. Since supporting evidence is limited at this time, the clinical significance of this alteration remains unclear.

GeneDx
Classification: Uncertain significance. Last evaluated: 2024-02-05. Review status: criteria provided, single submitter. Criteria: GeneDx Variant Classification Process June 2021. Collection method: clinical testing. Allele origin: germline. Affected: yes.
Comment: Not observed at significant frequency in large population cohorts (gnomAD); In silico analysis supports that this missense variant does not alter protein structure/function; Observed in an individual with Sonic Hedgehog medulloblastoma (PMID: 34409296); This variant is associated with the following publications: (PMID: 8906794, 34409296)

PreventionGenetics, part of Exact Sciences
Classification: Uncertain significance for PTCH1-related condition. Last evaluated: 2023-12-16. Review status: no assertion criteria provided. Collection method: clinical testing. Allele origin: germline. Not counted in ClinVar's aggregate classification.
Comment: The PTCH1 c.787G>A variant is predicted to result in the amino acid substitution p.Glu263Lys. This variant has been reported in an individual with medulloblastoma (Table 1, Pereira et al. 2021. PubMed ID: 34409296). This variant has not been reported in a large population database, indicating this variant is rare. It is interpreted as uncertain significance in ClinVar. At this time, the clinical significance of this variant is uncertain due to the absence of conclusive functional and genetic evidence.

NM_000264.5(PTCH1):c.787G>A (p.Glu263Lys)

Gene: PTCH1 (patched 1; minus strand). Cytogenetic location: 9q22.32.
Variant type: single nucleotide variant.
Coding change: c.787G>A on transcript NM_000264.5 (MANE Select); coding-DNA position 787, G replaced by A.
Protein change: p.Glu263Lys; replaces glutamic acid 263 with lysine.
Molecular consequence: missense variant. On other transcripts: non-coding transcript variant (1).
Genome position (GRCh38, 1-based): chr9:95,480,548, C>T on the plus strand (G>A on the coding strand, the complement: PTCH1 is on the minus strand). VCF-style: chr9-95480548-C-T. GRCh37 (hg19) VCF-style: chr9-98242830-C-T.
Other names: c.589G>A, p.Glu197Lys (NM_001083602.3); c.784G>A, p.Glu262Lys (NM_001083603.3); c.334G>A, p.Glu112Lys (NM_001083604.3, NM_001083605.3, NM_001083606.3 and 1 more transcripts); c.787G>A, p.Glu263Lys (NM_001354918.2); short protein forms E112K, E262K, E197K, E263K.
Identifiers: ClinVar variation 642215 (VCV000642215.18), dbSNP rs1588610385, ClinGen allele CA374114397.
Genomic context (GRCh38, chr9:95,480,548, plus strand): 5'-TCAGCATTTCCTCCCAGCTGTCCACTTGATAGTTTATTTTCTTTAACTCTTCCAGGAATT[C>T]CAAAGGGTCGAAGTTTGTCCACCGCAAAGGAGGTTTACCTCTGCAAAAGAAATTAGGAGA-3'
Protein context (NP_000255.2, residues 253-273): PLRWTNFDPL[Glu263Lys]FLEELKKINY